The following is an entry in ClinVar:

ClinVar aggregate classification (germline): Uncertain significance (1 of 4 stars; one submission).

Conditions:
Hereditary cancer-predisposing syndrome. Also called: Tumor predisposition; Neoplastic Syndromes, Hereditary; Hereditary Cancer Syndrome; Hereditary neoplastic syndrome. Identifiers: Orphanet 140162, MedGen C0027672, MeSH D009386, MONDO:0015356.

Submission:

Ambry Genetics
Classification: Uncertain significance for Hereditary cancer-predisposing syndrome. Last evaluated: 2024-10-12. Review status: criteria provided, single submitter. Criteria: Ambry Variant Classification Scheme 2023. Collection method: clinical testing. Allele origin: germline.
Comment: The p.N61Y variant (also known as c.181A>T), located in coding exon 1 of the CDKN1B gene, results from an A to T substitution at nucleotide position 181. The asparagine at codon 61 is replaced by tyrosine, an amino acid with dissimilar properties. This amino acid position is conserved. In addition, this alteration is predicted to be deleterious by in silico analysis. Based on the available evidence, the clinical significance of this variant remains unclear.

NM_004064.5(CDKN1B):c.181A>T (p.Asn61Tyr)

Gene: CDKN1B (cyclin dependent kinase inhibitor 1B; plus strand). Cytogenetic location: 12p13.1.
Variant type: single nucleotide variant.
Coding change: c.181A>T on transcript NM_004064.5 (MANE Select); coding-DNA position 181, A replaced by T.
Protein change: p.Asn61Tyr; replaces asparagine 61 with tyrosine.
Molecular consequence: missense variant.
Genome position (GRCh38, 1-based): chr12:12,718,020, A>T. VCF-style: chr12-12718020-A-T. GRCh37 (hg19) VCF-style: chr12-12870954-A-T.
Other names: short protein forms N61Y.
Identifiers: ClinVar variation 3489636 (VCV003489636.1).